The following is an entry in ClinVar:

NM_052867.4(NALCN):c.3173A>G (p.Asn1058Ser)

Gene: NALCN (sodium leak channel, non-selective; minus strand). Cytogenetic location: 13q32.3.
Variant type: single nucleotide variant.
Coding change: c.3173A>G on transcript NM_052867.4 (MANE Select); coding-DNA position 3173, A replaced by G.
Protein change: p.Asn1058Ser; replaces asparagine 1058 with serine.
Molecular consequence: missense variant.
Genome position (GRCh38, 1-based): chr13:101,095,670, T>C on the plus strand (A>G on the coding strand, the complement: NALCN is on the minus strand). VCF-style: chr13-101095670-T-C. GRCh37 (hg19) VCF-style: chr13-101748021-T-C.
Other names: c.3260A>G, p.Asn1087Ser (NM_001350748.2); c.3173A>G, p.Asn1058Ser (NM_001350749.2); c.3086A>G, p.Asn1029Ser (NM_001350750.2, NM_001350751.2); short protein forms N1029S, N1058S, N1087S.
Identifiers: ClinVar variation 1708903 (VCV001708903.5), dbSNP rs780005350, ClinGen allele CA7035468.

ClinVar aggregate classification (germline): Uncertain significance. Review status: criteria provided, multiple submitters, no conflicts (2 of 4 stars). 2 submissions from 2 submitters: Uncertain significance (2). Last evaluated 2026-01-07.

Allele frequency attached by ClinVar (database versions not stated): ExAC 0.00001; gnomAD 0.00002; gnomAD exomes 0.00001; TOPMed 0.00001.
gnomAD v4.1: 10 of 1,611,686 alleles (0.00062%); highest among the groups gnomAD compares: South Asian, 0.0066%; no homozygotes.

Submissions (2):

Labcorp Genetics (formerly Invitae), Labcorp
Classification: Uncertain significance. Last evaluated: 2026-01-07. Review status: criteria provided, single submitter. Criteria: Invitae Variant Classification Sherloc (09022015). Collection method: clinical testing. Allele origin: germline.
Comment: This sequence change replaces asparagine, which is neutral and polar, with serine, which is neutral and polar, at codon 1058 of the NALCN protein (p.Asn1058Ser). This variant is present in population databases (rs780005350, gnomAD 0.007%). This variant has not been reported in the literature in individuals affected with NALCN-related conditions. ClinVar contains an entry for this variant (Variation ID: 1708903). Invitae Evidence Modeling of protein sequence and biophysical properties (such as structural, functional, and spatial information, amino acid conservation, physicochemical variation, residue mobility, and thermodynamic stability) indicates that this missense variant is not expected to disrupt NALCN protein function with a negative predictive value of 80%. In summary, the available evidence is currently insufficient to determine the role of this variant in disease. Therefore, it has been classified as a Variant of Uncertain Significance.

GeneDx
Classification: Uncertain significance. Last evaluated: 2022-04-07. Review status: criteria provided, single submitter. Criteria: GeneDx Variant Classification Process June 2021. Collection method: clinical testing. Allele origin: germline. Affected: yes.
Comment: In silico analysis supports that this missense variant does not alter protein structure/function; Has not been previously published as pathogenic or benign to our knowledge